The following is an entry in ClinVar:

ClinVar aggregate classification (germline): Uncertain significance (1 of 4 stars; one submission).

Conditions:
Fanconi anemia (FA). Also called: Fanconi's anemia. Identifiers: Orphanet 84, MedGen C0015625, MeSH D005199, MONDO:0019391.

gnomAD v4.1: 4 of 1,592,922 alleles (0.00025%); highest among the groups gnomAD compares: South Asian, 0.0033%; no homozygotes.

Submission:

Labcorp Genetics (formerly Invitae), Labcorp
Classification: Uncertain significance for Fanconi anemia. Last evaluated: 2025-09-28. Review status: criteria provided, single submitter. Criteria: Invitae Variant Classification Sherloc (09022015). Collection method: clinical testing. Allele origin: germline.
Comment: This variant occurs in a non-coding region of the FANCC gene. It does not change the encoded amino acid sequence of the FANCC protein. The frequency data for this variant in the population databases is considered unreliable, as metrics indicate poor data quality at this position in the gnomAD database. This variant has not been reported in the literature in individuals affected with FANCC-related conditions. In summary, the available evidence is currently insufficient to determine the role of this variant in disease. Therefore, it has been classified as a Variant of Uncertain Significance.

NM_000136.3(FANCC):c.-40G>A

Gene: FANCC (FA complementation group C; minus strand). Cytogenetic location: 9q22.32.
Variant type: single nucleotide variant.
Coding change: c.-40G>A on transcript NM_000136.3 (MANE Select); 40 bases upstream of the start codon, G replaced by A.
Molecular consequence: 5 prime UTR variant.
Genome position (GRCh38, 1-based): chr9:95,249,331, C>T on the plus strand (G>A on the coding strand, the complement: FANCC is on the minus strand). VCF-style: chr9-95249331-C-T. GRCh37 (hg19) VCF-style: chr9-98011613-C-T.
Other names: c.-40G>A (NM_001243743.2, NM_001243744.2).
Identifiers: ClinVar variation 4761127 (VCV004761127.1).